The following is an entry in ClinVar:

ClinVar aggregate classification (germline): Uncertain significance (1 of 4 stars; one submission).

Submission:

GeneDx
Classification: Uncertain significance. Last evaluated: 2026-02-08. Review status: criteria provided, single submitter. Criteria: GeneDx Variant Classification Process June 2021. Collection method: clinical testing. Allele origin: germline.
Comment: Not observed at significant frequency in large population cohorts (gnomAD); In silico analysis supports that this missense variant has a deleterious effect on protein structure/function; Has not been previously published as pathogenic or benign to our knowledge

NM_032242.4(PLXNA1):c.724T>G (p.Phe242Val)

Gene: PLXNA1 (plexin A1; plus strand). Cytogenetic location: 3q21.3.
Variant type: single nucleotide variant.
Coding change: c.724T>G on transcript NM_032242.4 (MANE Select); coding-DNA position 724, T replaced by G.
Protein change: p.Phe242Val; replaces phenylalanine 242 with valine.
Molecular consequence: missense variant.
Genome position (GRCh38, 1-based): chr3:126,989,317, T>G. VCF-style: chr3-126989317-T-G. GRCh37 (hg19) VCF-style: chr3-126708160-T-G.
Other names: short protein forms F242V.
Identifiers: ClinVar variation 4976240 (VCV004976240.1).
Genomic context (GRCh38, chr3:126,989,317, plus strand): 5'-GATGAGTTTGTGTCATCACAGCTCAAGATCCCTTCGGACACGCTGTCCAAGTTCCCGGCC[T>G]TTGACATCTACTATGTGTACAGCTTCCGCAGCGAGCAGTTTGTCTACTACCTCACGCTGC-3'
Protein context (NP_115618.3, residues 232-252): PSDTLSKFPA[Phe242Val]DIYYVYSFRS